The following is an entry in ClinVar:

ClinVar aggregate classification (germline): Uncertain significance (1 of 4 stars; one submission).

Submission:

GeneDx
Classification: Uncertain significance. Last evaluated: 2019-02-26. Review status: criteria provided, single submitter. Criteria: GeneDx Variant Classification Process June 2021. Collection method: clinical testing. Allele origin: germline. Affected: yes.
Comment: Not observed in large population cohorts (Lek et al., 2016); In silico analysis, which includes protein predictors and evolutionary conservation, supports a deleterious effect

NM_052867.4(NALCN):c.4192T>C (p.Cys1398Arg)

Gene: NALCN (sodium leak channel, non-selective; minus strand). Cytogenetic location: 13q32.3.
Variant type: single nucleotide variant.
Coding change: c.4192T>C on transcript NM_052867.4 (MANE Select); coding-DNA position 4192, T replaced by C.
Protein change: p.Cys1398Arg; replaces cysteine 1398 with arginine.
Molecular consequence: missense variant.
Genome position (GRCh38, 1-based): chr13:101,073,589, A>G on the plus strand (T>C on the coding strand, the complement: NALCN is on the minus strand). VCF-style: chr13-101073589-A-G. GRCh37 (hg19) VCF-style: chr13-101725941-A-G.
Other names: c.4279T>C, p.Cys1427Arg (NM_001350748.2); c.4192T>C, p.Cys1398Arg (NM_001350749.2); c.4105T>C, p.Cys1369Arg (NM_001350750.2, NM_001350751.2); short protein forms C1369R, C1398R, C1427R.
Identifiers: ClinVar variation 1305452 (VCV001305452.2), dbSNP rs2139465642, ClinGen allele CA388649038.